The following is an entry in ClinVar:

ClinVar aggregate classification (germline): Uncertain significance (1 of 4 stars; one submission).

Conditions:
RASopathy. Also called: Noonan spectrum disorder; rasopathies. Identifiers: Orphanet 536391, MedGen C5555857, MONDO:0021060.

Allele frequency attached by ClinVar (database versions not stated): gnomAD exomes below 0.00001.
gnomAD v4.1: 2 of 1,614,172 alleles (0.00012%); highest among the groups gnomAD compares: Admixed American, 0.0017%; no homozygotes.

Submission:

Labcorp Genetics (formerly Invitae), Labcorp
Classification: Uncertain significance for RASopathy. Last evaluated: 2025-05-01. Review status: criteria provided, single submitter. Criteria: Invitae Variant Classification Sherloc (09022015). Collection method: clinical testing. Allele origin: germline.
Comment: This sequence change replaces glutamine, which is neutral and polar, with glutamic acid, which is acidic and polar, at codon 556 of the RAF1 protein (p.Gln556Glu). This variant is not present in population databases (gnomAD no frequency). This variant has not been reported in the literature in individuals affected with RAF1-related conditions. ClinVar contains an entry for this variant (Variation ID: 2200174). Invitae Evidence Modeling incorporating data from in vitro experimental studies (internal data) indicates that this missense variant is not expected to disrupt RAF1 function with a negative predictive value of 80%. In summary, the available evidence is currently insufficient to determine the role of this variant in disease. Therefore, it has been classified as a Variant of Uncertain Significance.

NM_002880.4(RAF1):c.1666C>G (p.Gln556Glu)

Gene: RAF1 (Raf-1 proto-oncogene, serine/threonine kinase; minus strand). Cytogenetic location: 3p25.2.
Variant type: single nucleotide variant.
Coding change: c.1666C>G on transcript NM_002880.4 (MANE Select); coding-DNA position 1666, C replaced by G.
Protein change: p.Gln556Glu; replaces glutamine 556 with glutamic acid.
Molecular consequence: missense variant. On other transcripts: non-coding transcript variant (3).
Genome position (GRCh38, 1-based): chr3:12,585,124, G>C on the plus strand (C>G on the coding strand, the complement: RAF1 is on the minus strand). VCF-style: chr3-12585124-G-C. GRCh37 (hg19) VCF-style: chr3-12626623-G-C.
Other names: c.1726C>G, p.Gln576Glu (NM_001354689.3); c.1666C>G, p.Gln556Glu (NM_001354690.3); c.1423C>G, p.Gln475Glu (NM_001354691.3, NM_001354692.3); c.1567C>G, p.Gln523Glu (NM_001354693.3); c.1483C>G, p.Gln495Glu (NM_001354694.3); c.1324C>G, p.Gln442Glu (NM_001354695.3); short protein forms Q442E, Q475E, Q495E, Q523E, Q556E, Q576E.
Identifiers: ClinVar variation 2200174 (VCV002200174.5), dbSNP rs1033853285, ClinGen allele CA69603213.